The following is an entry in ClinVar:

NM_144498.4(OSBPL2):c.1150G>A (p.Val384Met)

Gene: OSBPL2 (oxysterol binding protein like 2; plus strand). Cytogenetic location: 20q13.33.
Variant type: single nucleotide variant.
Coding change: c.1150G>A on transcript NM_144498.4 (MANE Select); coding-DNA position 1150, G replaced by A.
Protein change: p.Val384Met; replaces valine 384 with methionine.
Molecular consequence: missense variant. On other transcripts: intron variant (1).
Genome position (GRCh38, 1-based): chr20:62,289,231, G>A. VCF-style: chr20-62289231-G-A. GRCh37 (hg19) VCF-style: chr20-60864287-G-A.
Other names: c.874G>A, p.Val292Met (NM_001363878.2); c.1114G>A, p.Val372Met (NM_014835.5); c.850-2472G>A (NM_001278649.3); short protein forms V292M, V372M, V384M.
Identifiers: ClinVar variation 1254637 (VCV001254637.7), dbSNP rs186761985, ClinGen allele CA9938727.

ClinVar aggregate classification (germline): Uncertain significance. Review status: criteria provided, multiple submitters, no conflicts (2 of 4 stars). 2 submissions from 2 submitters: Uncertain significance (2). Last evaluated 2025-08-20.

Allele frequency attached by ClinVar (database versions not stated): gnomAD 0.00001; gnomAD exomes 0.00001 and 0.00003; TOPMed 0.00002; ExAC 0.00003; 1000 Genomes Project 0.00020; 1000 Genomes Project 30x 0.00078.
gnomAD v4.1: 17 of 1,613,826 alleles (0.0011%); highest among the groups gnomAD compares: Middle Eastern, 0.017%; no homozygotes.

Submissions (2):

Labcorp Genetics (formerly Invitae), Labcorp
Classification: Uncertain significance. Last evaluated: 2025-08-20. Review status: criteria provided, single submitter. Criteria: Invitae Variant Classification Sherloc (09022015). Collection method: clinical testing. Allele origin: germline.
Comment: This sequence change replaces valine, which is neutral and non-polar, with methionine, which is neutral and non-polar, at codon 384 of the OSBPL2 protein (p.Val384Met). This variant is present in population databases (rs186761985, gnomAD 0.009%). This variant has not been reported in the literature in individuals affected with OSBPL2-related conditions. ClinVar contains an entry for this variant (Variation ID: 1254637). An algorithm developed to predict the effect of missense changes on protein structure and function (PolyPhen-2) suggests that this variant is likely to be disruptive. In summary, the available evidence is currently insufficient to determine the role of this variant in disease. Therefore, it has been classified as a Variant of Uncertain Significance.

GeneDx
Classification: Uncertain significance. Last evaluated: 2024-12-09. Review status: criteria provided, single submitter. Criteria: GeneDx Variant Classification Process June 2021. Collection method: clinical testing. Allele origin: germline. Affected: yes.
Comment: In silico analysis indicates that this missense variant does not alter protein structure/function; Has not been previously published as pathogenic or benign to our knowledge